The following is an entry in ClinVar:

ClinVar aggregate classification (germline): Pathogenic (1 of 4 stars; one submission).

Conditions:
Hereditary spastic paraplegia 4. Also called: Spastic paraplegia 4, autosomal dominant; Spastic Paraplegia 4; Familial spastic paraplegia autosomal dominant 2. Identifiers: Orphanet 100985, MedGen C1866855, MONDO:0008438, OMIM 182601.

Submission:

Labcorp Genetics (formerly Invitae), Labcorp
Classification: Pathogenic for Hereditary spastic paraplegia 4. Last evaluated: 2022-11-26. Review status: criteria provided, single submitter. Criteria: Invitae Variant Classification Sherloc (09022015). Collection method: clinical testing. Allele origin: germline.
Comment: For these reasons, this variant has been classified as Pathogenic. This sequence change creates a premature translational stop signal (p.Thr255Asnfs*11) in the SPAST gene. It is expected to result in an absent or disrupted protein product. Loss-of-function variants in SPAST are known to be pathogenic (PMID: 20932283). This variant is not present in population databases (gnomAD no frequency). This variant has not been reported in the literature in individuals affected with SPAST-related conditions.

Literature cited by the submitters: PubMed 20932283.

NM_014946.4(SPAST):c.763dup (p.Thr255fs)

Gene: SPAST (spastin; plus strand). Cytogenetic location: 2p22.3.
Variant type: Duplication.
Coding change: c.763dup on transcript NM_014946.4 (MANE Select); coding-DNA position 763, one base duplicated (A; older notation c.763dupA).
Protein change: p.Thr255fs; shifts the reading frame from threonine 255.
Molecular consequence: frameshift variant.
Genome position (GRCh38, 1-based): chr2:32,114,718, A duplicated; the last of 4 consecutive A bases (chr2:32,114,715-32,114,718); duplicating any one gives the same sequence. VCF-style (leftmost placement, unchanged base first): chr2-32114714-G-GA. GRCh37 (hg19) VCF-style: chr2-32339783-G-GA.
Other names: c.760dup, p.Thr254fs (NM_001363823.2); c.664dup, p.Thr222fs (NM_001363875.2); c.667dup, p.Thr223fs (NM_001377959.1, NM_199436.2); short protein forms T254fs, T222fs, T223fs, T255fs.
Identifiers: ClinVar variation 2816768 (VCV002816768.3), dbSNP rs2465835245, ClinGen allele CA2739274313.